The following is an entry in ClinVar:

ClinVar aggregate classification (germline): Likely benign. Review status: criteria provided, multiple submitters, no conflicts (2 of 4 stars). 3 submissions from 3 submitters: Likely benign (2). 1 of the submissions does not count toward it. Last evaluated 2026-04-01.

Conditions:
NDUFS7-related disorder. Also called: NDUFS7-related condition.

Allele frequency attached by ClinVar (database versions not stated): gnomAD 0.00038.

Submissions (3):

CeGaT Center for Human Genetics Tuebingen
Classification: Likely benign. Last evaluated: 2026-04-01. Review status: criteria provided, single submitter. Criteria: CeGaT Center For Human Genetics Tuebingen Variant Classification Criteria Version 2. Collection method: clinical testing. Allele origin: germline. Affected: yes. Observed: 1 variant allele.
Comment: NDUFS7: BP4, BP7

Blueprint Genetics
Classification: Likely benign. Last evaluated: 2024-11-15. Review status: criteria provided, single submitter. Criteria: ACMG Guidelines, 2015. Collection method: clinical testing. Allele origin: germline.

PreventionGenetics, part of Exact Sciences
Classification: Likely benign for NDUFS7-related condition. Last evaluated: 2019-04-26. Review status: no assertion criteria provided. Collection method: clinical testing. Allele origin: germline. Not counted in ClinVar's aggregate classification.
Comment: This variant is classified as likely benign based on ACMG/AMP sequence variant interpretation guidelines (Richards et al. 2015 PMID: 25741868, with internal and published modifications).

NM_024407.5(NDUFS7):c.502A>C (p.Arg168=)

Gene: NDUFS7 (NADH:ubiquinone oxidoreductase core subunit S7; plus strand). Cytogenetic location: 19p13.3.
Variant type: single nucleotide variant.
Coding change: c.502A>C on transcript NM_024407.5 (MANE Select); coding-DNA position 502, A replaced by C.
Protein change: p.Arg168=; no amino-acid change (arginine 168 retained).
Molecular consequence: synonymous variant.
Genome position (GRCh38, 1-based): chr19:1,393,288, A>C. VCF-style: chr19-1393288-A-C. GRCh37 (hg19) VCF-style: chr19-1393287-A-C.
Other names: c.502A>C, p.Arg168= (NM_001363602.2).
Identifiers: ClinVar variation 3050981 (VCV003050981.5), dbSNP rs974518260, ClinGen allele CA304060347.